The following is an entry in ClinVar:

ClinVar aggregate classification (germline): Uncertain significance (1 of 4 stars; one submission).

Submission:

Labcorp Genetics (formerly Invitae), Labcorp
Classification: Uncertain significance. Last evaluated: 2025-07-25. Review status: criteria provided, single submitter. Criteria: Invitae Variant Classification Sherloc (09022015). Collection method: clinical testing. Allele origin: germline.
Comment: This sequence change replaces threonine, which is neutral and polar, with alanine, which is neutral and non-polar, at codon 542 of the FUK protein (p.Thr542Ala). This variant is present in population databases (no rsID available, gnomAD 0.008%). This variant has not been reported in the literature in individuals affected with FUK-related conditions. An algorithm developed to predict the effect of missense changes on protein structure and function outputs the following: PolyPhen-2: "Benign". The alanine amino acid residue is found in multiple mammalian species, which suggests that this missense change does not adversely affect protein function. In summary, the available evidence is currently insufficient to determine the role of this variant in disease. Therefore, it has been classified as a Variant of Uncertain Significance.

NM_145059.3(FCSK):c.1624A>G (p.Thr542Ala)

Gene: FCSK (fucose kinase; plus strand). Cytogenetic location: 16q22.1.
Variant type: single nucleotide variant.
Coding change: c.1624A>G on transcript NM_145059.3 (MANE Select); coding-DNA position 1624, A replaced by G.
Protein change: p.Thr542Ala; replaces threonine 542 with alanine.
Molecular consequence: missense variant.
Genome position (GRCh38, 1-based): chr16:70,473,200, A>G. VCF-style: chr16-70473200-A-G. GRCh37 (hg19) VCF-style: chr16-70507103-A-G.
Other names: short protein forms T542A.
Identifiers: ClinVar variation 4749095 (VCV004749095.1).
Genomic context (GRCh38, chr16:70,473,200, plus strand): 5'-TGGCGGGCCTCCTGGCGCCTGTCCTGGGAGCAGCTGCAGCCGTGCCTGGATCGGGCTGCC[A>G]CGCTGGCCTCTCGCCGGGACCTGTTCTTCCGCCAGGCCCTGCATAAGGCGCGGCACGTGC-3'
Protein context (NP_659496.2, residues 532-552): QLQPCLDRAA[Thr542Ala]LASRRDLFFR